The following is an entry in ClinVar:

ClinVar aggregate classification (germline): Likely pathogenic (0 of 4 stars; one submission).

Conditions:
TBR1-related disorder. Also called: TBR1-related condition.

Submission:

PreventionGenetics, part of Exact Sciences
Classification: Likely pathogenic for TBR1-related condition. Last evaluated: 2023-11-20. Review status: no assertion criteria provided. Collection method: clinical testing. Allele origin: germline.
Comment: The TBR1 c.970-3C>G variant is predicted to interfere with splicing. To our knowledge, this variant has not been reported in the literature or in a large population database, indicating this variant is rare. This variant is interpreted as likely pathogenic.

NM_006593.4(TBR1):c.970-3C>G

Gene: TBR1 (T-box brain transcription factor 1; plus strand). Cytogenetic location: 2q24.2.
Variant type: single nucleotide variant.
Coding change: c.970-3C>G on transcript NM_006593.4 (MANE Select); 3 bases into the intron before coding-DNA position 970, C replaced by G.
Molecular consequence: intron variant.
Genome position (GRCh38, 1-based): chr2:161,418,889, C>G. VCF-style: chr2-161418889-C-G. GRCh37 (hg19) VCF-style: chr2-162275400-C-G.
Identifiers: ClinVar variation 2635421 (VCV002635421.3), dbSNP rs2468093706, ClinGen allele CA2695197065.